The following is an entry in ClinVar:

NM_004415.4(DSP):c.7000C>T (p.Arg2334Ter)

Gene: DSP (desmoplakin; plus strand). Cytogenetic location: 6p24.3.
Variant type: single nucleotide variant.
Coding change: c.7000C>T on transcript NM_004415.4 (MANE Select); coding-DNA position 7000, C replaced by T.
Protein change: p.Arg2334Ter; replaces arginine 2334 with a stop codon.
Molecular consequence: nonsense.
Genome position (GRCh38, 1-based): chr6:7,584,262, C>T. VCF-style: chr6-7584262-C-T. GRCh37 (hg19) VCF-style: chr6-7584495-C-T.
Other names: c.5203C>T, p.Arg1735Ter (NM_001008844.3); c.5671C>T, p.Arg1891Ter (NM_001319034.2); short protein forms R1735*, R1891*, R2334*.
Identifiers: ClinVar variation 927872 (VCV000927872.12), dbSNP rs369482721, ClinGen allele CA048886.

ClinVar aggregate classification (germline): Pathogenic/Likely pathogenic. Review status: criteria provided, multiple submitters, no conflicts (2 of 4 stars). 4 submissions from 4 submitters: Pathogenic (2); Likely pathogenic (2). Last evaluated 2025-06-09.

Conditions:
Arrhythmogenic cardiomyopathy with wooly hair and keratoderma. Also called: PALMOPLANTAR KERATODERMA WITH LEFT VENTRICULAR CARDIOMYOPATHY AND WOOLLY HAIR; Carvajal syndrome; Dilated cardiomyopathy with woolly hair and keratoderma; Arrhythmogenic cardiomyopathy with woolly hair and keratoderma. Identifiers: Orphanet 65282, MedGen C1854063, MONDO:0011581, OMIM 605676.
Arrhythmogenic right ventricular dysplasia 8 (ARVD8). Also called: ARRHYTHMOGENIC RIGHT VENTRICULAR DYSPLASIA, FAMILIAL, 8; Arrhythmogenic Right Ventricular Dysplasia/Cardiomyopathy 8; ARRHYTHMOGENIC RIGHT VENTRICULAR CARDIOMYOPATHY 8. Identifiers: MedGen C1843896, MONDO:0011831, OMIM 607450.
Cardiomyopathy (CMYO). Also called: Cardiomyopathies. Identifiers: Orphanet 167848, MedGen C0878544, MONDO:0004994, HP:0001638. Inheritance: Various modes of inheritance.
Cardiovascular phenotype. Identifiers: MedGen CN230736.

Allele frequency attached by ClinVar (database versions not stated): gnomAD exomes below 0.00001 and 0.00001; ExAC 0.00002; ESP Exome Variant Server 0.00008.

Submissions (4):

Color Diagnostics, LLC DBA Color Health
Classification: Likely pathogenic for Cardiomyopathy. Last evaluated: 2025-06-09. Review status: criteria provided, single submitter. Criteria: ACMG Guidelines, 2015. Collection method: clinical testing. Allele origin: germline.
Comment: This variant changes 1 nucleotide in the exon 24 of the DSP gene, creating a premature translation stop signal in the last exon. This variant is predicted to escape nonsense-mediated decay and be expressed as a truncated protein. Although functional studies have not been reported, this variant is expected to disrupt the plakin repeat domain B and C. Plakin repeat domains and downstream C-terminal sequence have been reported to be essential for interaction with intermediate filaments (PMID: 12101406, 12802069, 21756917). In addition, truncating variants occurring downstream of this variant are known to be disease-causing (ClinVar variation ID: 923199, 263803). This variant has been reported in an individual affected with arrhythmogenic cardiomyopathy (PMID: 37881594). This variant has not been identified in the general population by the Genome Aggregation Database (gnomAD). Loss of DSP function is a known mechanism of disease. Based on the available evidence, this variant is classified as Likely Pathogenic.

Ambry Genetics
Classification: Pathogenic for Cardiovascular phenotype. Last evaluated: 2025-05-30. Review status: criteria provided, single submitter. Criteria: Ambry Variant Classification Scheme 2023. Collection method: clinical testing. Allele origin: germline.
Comment: The c.7000C>T (p.R2334*) alteration, located in exon 24 (coding exon 24) of the DSP gene, consists of a C to T substitution at nucleotide position 7000. This changes the amino acid from a arginine (R) to a stop codon at amino acid position 2334. This alteration occurs at the 3' terminus of the DSP gene, is not expected to trigger nonsense-mediated mRNA decay, and impacts the last 18% of the protein. However, premature stop codons are typically deleterious in nature and a significant portion of the protein is affected (Ambry internal data). Based on data from gnomAD, the T allele has an overall frequency of 0.001% (3/251440) total alleles studied. The highest observed frequency was 0.006% (1/16230) of African alleles. This variant has been reported in a subject with features of DSP-related cardiomyopathy and in arrhythmogenic right ventricular cardiomyopathy (ARVC) and sudden cardiac death cohorts (Cabral, 2023; Gasperetti, 2024; Modena, 2024). Variants in DSP that result in haploinsufficiency or protein truncation have been reported in patients with arrhythmogenic right ventricular cardiomyopathy (ARVC) and dilated cardiomyopathy (DCM)(Fressart, 2010; Elliott, 2010; Quarta, 2011; Garcia-Pavia, 2011; Rasmussen, 2013; Pugh, 2014). Based on the available evidence, this alteration is classified as pathogenic.

All of Us Research Program, National Institutes of Health
Classification: Likely pathogenic for Arrhythmogenic cardiomyopathy with wooly hair and keratoderma. Last evaluated: 2024-07-29. Review status: criteria provided, single submitter. Criteria: ACMG Guidelines, 2015. Collection method: clinical testing. Allele origin: germline. Inheritance: Autosomal dominant inheritance. Observed: 1 variant allele, 1 heterozygote.
Comment: This variant changes 1 nucleotide in the exon 24 of the DSP gene, creating a premature translation stop signal in the last exon. This variant is predicted to escape nonsense-mediated decay and be expressed as a truncated protein. Although functional studies have not been reported, this variant is expected to disrupt the plakin repeat domain B and C. Plakin repeat domains and downstream C-terminal sequence have been reported to be essential for interaction with intermediate filaments (PMID: 12101406, 12802069, 21756917). In addition, truncating variants occurring downstream of this variant are known to be disease-causing (ClinVar variation ID: 923199, 263803). This variant has not been identified in the general population by the Genome Aggregation Database (gnomAD). Loss of DSP function is a known mechanism of disease. Based on the available evidence, this variant is classified as Likely Pathogenic.

This study involves interpretation of variants in research participants for the purpose of population health screening. Participant phenotype was not available at the time of variant classification. Additional details can be found in publication PMID: 35346344, PMCID: PMC8962531

Labcorp Genetics (formerly Invitae), Labcorp
Classification: Pathogenic for Arrhythmogenic cardiomyopathy with wooly hair and keratoderma; Arrhythmogenic right ventricular dysplasia 8. Last evaluated: 2024-01-11. Review status: criteria provided, single submitter. Criteria: Invitae Variant Classification Sherloc (09022015). Collection method: clinical testing. Allele origin: germline.
Comment: This sequence change creates a premature translational stop signal (p.Arg2334*) in the DSP gene. While this is not anticipated to result in nonsense mediated decay, it is expected to disrupt the last 538 amino acid(s) of the DSP protein. This variant is present in population databases (rs369482721, gnomAD 0.007%). This variant has not been reported in the literature in individuals affected with DSP-related conditions. ClinVar contains an entry for this variant (Variation ID: 927872). This variant disrupts a region of the DSP protein in which other variant(s) (p.Glu2728Glyfs*11) have been determined to be pathogenic (Invitae). This suggests that this is a clinically significant region of the protein, and that variants that disrupt it are likely to be disease-causing. For these reasons, this variant has been classified as Pathogenic.

Literature cited by the submitters: PubMed 12101406 (cited by Color Diagnostics, LLC DBA Color Health and All of Us Research Program, National Institutes of Health); PubMed 12802069 (cited by Color Diagnostics, LLC DBA Color Health and All of Us Research Program, National Institutes of Health); PubMed 21756917 (cited by Color Diagnostics, LLC DBA Color Health and All of Us Research Program, National Institutes of Health); PubMed 37881594 (cited by Color Diagnostics, LLC DBA Color Health and Ambry Genetics); PubMed 20400443 (cited by Ambry Genetics); PubMed 20716751 (cited by Ambry Genetics); PubMed 21606390 (cited by Ambry Genetics); PubMed 21859740 (cited by Ambry Genetics); PubMed 23137101 (cited by Ambry Genetics); PubMed 24503780 (cited by Ambry Genetics); PubMed 38938828 (cited by Ambry Genetics); PubMed 39285490 (cited by Ambry Genetics).